The following is an entry in ClinVar:

ClinVar aggregate classification (germline): Conflicting classifications of pathogenicity. Review status: criteria provided, conflicting classifications (1 of 4 stars). 2 submissions from 2 submitters: Uncertain significance (1); Likely benign (1). Last evaluated 2025-08-14.

Conditions:
Inborn genetic diseases. Identifiers: MedGen C0950123, MeSH D030342.

Allele frequency attached by ClinVar (database versions not stated): gnomAD exomes below 0.00001.
gnomAD v4.1: 5 of 1,614,064 alleles (0.00031%); highest among the groups gnomAD compares: Middle Eastern, 0.016%; no homozygotes.

Submissions (2):

Ambry Genetics
Classification: Uncertain significance for Inborn genetic diseases. Last evaluated: 2025-08-14. Review status: criteria provided, single submitter. Criteria: Ambry Variant Classification Scheme 2023. Collection method: clinical testing. Allele origin: germline.

Laboratory for Molecular Medicine, Mass General Brigham Personalized Medicine
Classification: Likely benign. Last evaluated: 2013-03-18. Review status: criteria provided, single submitter. Criteria: LMM Criteria. Collection method: clinical testing. Allele origin: germline. Observed: 1 variant allele.
Comment: Glu30Gly in exon 3 of SLC26A5: This variant is not expected to have clinical sig nificance because glutamic acid (Glu) at position 30 is not conserved in mammals or evolutionarily distant species and the change to glycine (Gly) is present in wallaby, opposum and chicken.

NM_198999.3(SLC26A5):c.89A>G (p.Glu30Gly)

Gene: SLC26A5 (solute carrier family 26 member 5; minus strand). Cytogenetic location: 7q22.1.
Variant type: single nucleotide variant.
Coding change: c.89A>G on transcript NM_198999.3 (MANE Select); coding-DNA position 89, A replaced by G.
Protein change: p.Glu30Gly; replaces glutamic acid 30 with glycine.
Molecular consequence: missense variant. On other transcripts: non-coding transcript variant (5).
Genome position (GRCh38, 1-based): chr7:103,421,426, T>C on the plus strand (A>G on the coding strand, the complement: SLC26A5 is on the minus strand). VCF-style: chr7-103421426-T-C. GRCh37 (hg19) VCF-style: chr7-103061873-T-C.
Other names: c.89A>G, p.Glu30Gly (NM_001167962.2, NM_001321787.2, NM_206883.3 and 2 more transcripts); c.89A>G (NM_198999.2); short protein forms E30G.
Identifiers: ClinVar variation 178676 (VCV000178676.6), dbSNP rs727504456, ClinGen allele CA182762.